The following is an entry in ClinVar:

NM_001378454.1(ALMS1):c.176A>T (p.His59Leu)

Gene: ALMS1 (ALMS1 centrosome and basal body associated protein; plus strand). Cytogenetic location: 2p13.1.
Variant type: single nucleotide variant.
Coding change: c.176A>T on transcript NM_001378454.1 (MANE Select); coding-DNA position 176, A replaced by T.
Protein change: p.His59Leu; replaces histidine 59 with leucine.
Molecular consequence: missense variant.
Genome position (GRCh38, 1-based): chr2:73,386,044, A>T. VCF-style: chr2-73386044-A-T. GRCh37 (hg19) VCF-style: chr2-73613172-A-T.
Other names: c.179A>T, p.His60Leu (NM_015120.4); short protein forms H59L, H60L.
Identifiers: ClinVar variation 1315123 (VCV001315123.10), dbSNP rs772683919, ClinGen allele CA1712759.

ClinVar aggregate classification (germline): Conflicting classifications of pathogenicity. Review status: criteria provided, conflicting classifications (1 of 4 stars). 5 submissions from 5 submitters: Uncertain significance (4); Likely benign (1). Last evaluated 2025-05-16.

Conditions:
Cardiovascular phenotype. Identifiers: MedGen CN230736.
Alstrom syndrome (ALMS). Identifiers: Orphanet 64, MedGen C0268425, MONDO:0008763, OMIM 203800.

Allele frequency attached by ClinVar (database versions not stated): gnomAD 0.00002; gnomAD exomes 0.00003; TOPMed 0.00003; ExAC 0.00004.
gnomAD v4.1: 41 of 1,574,262 alleles (0.0026%); highest among the groups gnomAD compares: South Asian, 0.0047%; 1 homozygote.

Submissions (5):

GeneDx
Classification: Uncertain significance. Last evaluated: 2025-05-16. Review status: criteria provided, single submitter. Criteria: GeneDx Variant Classification Process June 2021. Collection method: clinical testing. Allele origin: germline. Affected: yes.
Comment: Not observed at significant frequency in large population cohorts (gnomAD); In silico analysis suggests that this missense variant does not alter protein structure/function; Has not been previously published as pathogenic or benign to our knowledge

Ambry Genetics
Classification: Uncertain significance for Cardiovascular phenotype. Last evaluated: 2022-10-17. Review status: criteria provided, single submitter. Criteria: Ambry Variant Classification Scheme 2023. Collection method: clinical testing. Allele origin: germline.
Comment: The p.H60L variant (also known as c.179A>T), located in coding exon 1 of the ALMS1 gene, results from an A to T substitution at nucleotide position 179. The histidine at codon 60 is replaced by leucine, an amino acid with similar properties. This amino acid position is not well conserved in available vertebrate species. In addition, this alteration is predicted to be tolerated by in silico analysis. Since supporting evidence is limited at this time, the clinical significance of this alteration remains unclear.

Labcorp Genetics (formerly Invitae), Labcorp
Classification: Uncertain significance for Alstrom syndrome. Last evaluated: 2022-08-12. Review status: criteria provided, single submitter. Criteria: Invitae Variant Classification Sherloc (09022015). Collection method: clinical testing. Allele origin: germline.
Comment: This sequence change replaces histidine, which is basic and polar, with leucine, which is neutral and non-polar, at codon 60 of the ALMS1 protein (p.His60Leu). This variant is present in population databases (rs772683919, gnomAD 0.008%), including at least one homozygous and/or hemizygous individual. This variant has not been reported in the literature in individuals affected with ALMS1-related conditions. ClinVar contains an entry for this variant (Variation ID: 1315123). Experimental studies and prediction algorithms are not available or were not evaluated, and the functional significance of this variant is currently unknown. In summary, the available evidence is currently insufficient to determine the role of this variant in disease. Therefore, it has been classified as a Variant of Uncertain Significance.

Blueprint Genetics
Classification: Likely benign. Last evaluated: 2022-04-21. Review status: criteria provided, single submitter. Criteria: ACMG Guidelines, 2015. Collection method: clinical testing. Allele origin: germline.

Fulgent Genetics
Classification: Uncertain significance for Alstrom syndrome. Last evaluated: 2021-08-26. Review status: criteria provided, single submitter. Criteria: ACMG Guidelines, 2015. Collection method: clinical testing. Allele origin: unknown.